The following is an entry in ClinVar:

ClinVar aggregate classification (germline): Uncertain significance. Review status: criteria provided, multiple submitters, no conflicts (2 of 4 stars). 2 submissions from 2 submitters: Uncertain significance (2). Last evaluated 2025-01-23.

Conditions:
Hypercholesterolemia, autosomal dominant, type B (FHCL2). Also called: APOB-Related Familial Hypercholesterolemia, Autosomal Dominant; Hyperlipoproteinemia Type IIb; Familial Hypercholesterolemia Type B; APOLIPOPROTEIN B-100, FAMILIAL DEFECTIVE; APOLIPOPROTEIN B-100, FAMILIAL LIGAND-DEFECTIVE; Familial hypercholesterolemia 2. Identifiers: MedGen C1704417, MONDO:0007751, OMIM 144010.
Familial hypobetalipoproteinemia 1. Also called: APOB-Related Familial Hypobetalipoproteinemia; Hypobetalipoproteinemia, normotriglyceridemic; Acanthocytosis with hypobetalipoproteinemia. Identifiers: MedGen C4551990, MONDO:0014252, OMIM 615558.
Familial hypercholesterolemia. Also called: Familial hypercholesterolemias; Familial hypercholesterolaemia. Identifiers: MedGen C0020445, MONDO:0005439.

Submissions (2):

Labcorp Genetics (formerly Invitae), Labcorp
Classification: Uncertain significance for Familial hypobetalipoproteinemia 1; Hypercholesterolemia, autosomal dominant, type B. Last evaluated: 2025-01-23. Review status: criteria provided, single submitter. Criteria: Invitae Variant Classification Sherloc (09022015). Collection method: clinical testing. Allele origin: germline.
Comment: This sequence change replaces alanine, which is neutral and non-polar, with threonine, which is neutral and polar, at codon 68 of the APOB protein (p.Ala68Thr). This variant is not present in population databases (gnomAD no frequency). This variant has not been reported in the literature in individuals affected with APOB-related conditions. ClinVar contains an entry for this variant (Variation ID: 627970). Invitae Evidence Modeling of protein sequence and biophysical properties (such as structural, functional, and spatial information, amino acid conservation, physicochemical variation, residue mobility, and thermodynamic stability) indicates that this missense variant is not expected to disrupt APOB protein function with a negative predictive value of 95%. In summary, the available evidence is currently insufficient to determine the role of this variant in disease. Therefore, it has been classified as a Variant of Uncertain Significance.

Color Diagnostics, LLC DBA Color Health
Classification: Uncertain significance for Familial hypercholesterolemia. Last evaluated: 2019-03-28. Review status: criteria provided, single submitter. Criteria: ACMG Guidelines, 2015. Collection method: clinical testing. Allele origin: germline.
Comment: Variant of Uncertain Significance due to insufficient evidence: This variant (also known as p.Ala41Thr in the mature protein) is a missense variant located in the beta alpha 1 domain of the APOB protein. Computational prediction tools and conservation analyses suggest that this variant may not impact the protein function. Computational splicing tools suggest that this variant may not impact the RNA splicing. To our knowledge, functional assays have not been performed for this variant nor has the variant been reported in individuals affected with FH in the literature. This variant has not been identified in the general population by the Genome Aggregation Database (gnomAD). Available evidence is insufficient to determine the role of this variant in disease conclusively.

NM_000384.3(APOB):c.202G>A (p.Ala68Thr)

Genes: APOB (apolipoprotein B; minus strand), LOC106560211 (APOB 5' regulatory region; plus strand). Cytogenetic location: 2p24.1.
Variant type: single nucleotide variant.
Coding change: c.202G>A on transcript NM_000384.3 (MANE Select); coding-DNA position 202, G replaced by A.
Protein change: p.Ala68Thr; replaces alanine 68 with threonine.
Molecular consequence: missense variant.
Genome position (GRCh38, 1-based): chr2:21,042,396, C>T on the plus strand (G>A on the coding strand, the complement: APOB is on the minus strand). VCF-style: chr2-21042396-C-T. GRCh37 (hg19) VCF-style: chr2-21265268-C-T.
Other names: short protein forms A68T.
Identifiers: ClinVar variation 627970 (VCV000627970.6), dbSNP rs1558577786, ClinGen allele CA345965081.